The following is an entry in ClinVar:

NM_017514.5(PLXNA3):c.276C>T (p.Pro92=)

Gene: PLXNA3 (plexin A3; plus strand). Cytogenetic location: Xq28.
Variant type: single nucleotide variant.
Coding change: c.276C>T on transcript NM_017514.5 (MANE Select); coding-DNA position 276, C replaced by T.
Protein change: p.Pro92=; no amino-acid change (proline 92 retained).
Molecular consequence: synonymous variant.
Genome position (GRCh38, 1-based): chrX:154,460,459, C>T. VCF-style: chrX-154460459-C-T. GRCh37 (hg19) VCF-style: chrX-153688799-C-T.
Identifiers: ClinVar variation 3042417 (VCV003042417.2), dbSNP rs150500748, ClinGen allele CA10563651.

ClinVar aggregate classification (germline): Likely benign (0 of 4 stars; one submission).

Conditions:
PLXNA3-related disorder. Also called: PLXNA3-related condition.

Allele frequency attached by ClinVar (database versions not stated): 1000 Genomes Project 0.00026; ExAC 0.00039; 1000 Genomes Project 30x 0.00042; TOPMed 0.00059; gnomAD 0.00060; ESP Exome Variant Server 0.00095.
gnomAD v4.1: 921 of 1,203,847 alleles (0.077%); highest among the groups gnomAD compares: East Asian, 0.14%; 1 homozygote.

Submission:

PreventionGenetics, part of Exact Sciences
Classification: Likely benign for PLXNA3-related condition. Last evaluated: 2019-07-01. Review status: no assertion criteria provided. Collection method: clinical testing. Allele origin: germline.
Comment: This variant is classified as likely benign based on ACMG/AMP sequence variant interpretation guidelines (Richards et al. 2015 PMID: 25741868, with internal and published modifications).